The following is an entry in ClinVar:

NM_000384.3(APOB):c.3590T>C (p.Leu1197Pro)

Gene: APOB (apolipoprotein B; minus strand). Cytogenetic location: 2p24.1.
Variant type: single nucleotide variant.
Coding change: c.3590T>C on transcript NM_000384.3 (MANE Select); coding-DNA position 3590, T replaced by C.
Protein change: p.Leu1197Pro; replaces leucine 1197 with proline.
Molecular consequence: missense variant.
Genome position (GRCh38, 1-based): chr2:21,015,179, A>G on the plus strand (T>C on the coding strand, the complement: APOB is on the minus strand). VCF-style: chr2-21015179-A-G. GRCh37 (hg19) VCF-style: chr2-21238051-A-G.
Other names: short protein forms L1197P.
Identifiers: ClinVar variation 1485245 (VCV001485245.13), dbSNP rs745670004, ClinGen allele CA059187.
Genomic context (GRCh38, chr2:21,015,179, plus strand): 5'-GGGACTCTGTGATCCAGGAGTCTATTAGCATACATATGCAAGCTCTTAGGATAATCGGAG[A>G]GATCCACAGGGAAATTGGAAGTCATTTTTTTGGTATCTACATTGGTGCCTGTGTTCCATT-3'
Protein context (NP_000375.3, residues 1187-1207): KKMTSNFPVD[Leu1197Pro]SDYPKSLHMY

ClinVar aggregate classification (germline): Conflicting classifications of pathogenicity. Review status: criteria provided, conflicting classifications (1 of 4 stars). 4 submissions from 4 submitters: Uncertain significance (3); Likely benign (1). Last evaluated 2026-06-03.

Conditions:
Cardiovascular phenotype. Identifiers: MedGen CN230736.
Familial hypobetalipoproteinemia 1. Also called: APOB-Related Familial Hypobetalipoproteinemia; Hypobetalipoproteinemia, normotriglyceridemic; Acanthocytosis with hypobetalipoproteinemia. Identifiers: MedGen C4551990, MONDO:0014252, OMIM 615558.
Hypercholesterolemia, autosomal dominant, type B (FHCL2). Also called: Familial Hypercholesterolemia Type B; APOLIPOPROTEIN B-100, FAMILIAL DEFECTIVE; APOLIPOPROTEIN B-100, FAMILIAL LIGAND-DEFECTIVE; HYPERCHOLESTEROLEMIA, FAMILIAL, DUE TO LIGAND-DEFECTIVE APOLIPOPROTEIN B; Familial hypercholesterolemia 2; Hyperlipoproteinemia Type IIb. Identifiers: MedGen C1704417, MONDO:0007751, OMIM 144010.

Allele frequency attached by ClinVar (database versions not stated): TOPMed 0.00001; gnomAD 0.00003 and 0.00002; ExAC 0.00002.
gnomAD v4.1: 19 of 1,614,180 alleles (0.0012%); highest among the groups gnomAD compares: South Asian, 0.0033%; no homozygotes.

Submissions (4):

Ambry Genetics
Classification: Uncertain significance for Cardiovascular phenotype. Last evaluated: 2026-06-03. Review status: criteria provided, single submitter. Criteria: Ambry Variant Classification Scheme 2023. Collection method: clinical testing. Allele origin: germline.

Labcorp Genetics (formerly Invitae), Labcorp
Classification: Likely benign for Familial hypobetalipoproteinemia 1; Hypercholesterolemia, autosomal dominant, type B. Last evaluated: 2025-07-29. Review status: criteria provided, single submitter. Criteria: Invitae Variant Classification Sherloc (09022015). Collection method: clinical testing. Allele origin: germline.

ARUP Laboratories, Molecular Genetics and Genomics, ARUP Laboratories
Classification: Uncertain significance. Last evaluated: 2024-05-08. Review status: criteria provided, single submitter. Criteria: ARUP Molecular Germline Variant Investigation Process 2024. Collection method: clinical testing. Allele origin: germline.
Comment: The APOB c.3590T>C; p.Leu1197Pro variant (rs745670004), to our knowledge, is not reported in the medical literature but is reported in ClinVar (Variation ID: 1485245). This variant is found in the general population with an overall allele frequency of 0.001% (3/250,992 alleles) in the Genome Aggregation Database (v2.1.1). Computational analyses predict that this variant is neutral (REVEL: 0.133). However, given the lack of clinical and functional data, the significance of this variant is uncertain at this time.

GeneDx
Classification: Uncertain significance. Last evaluated: 2024-02-20. Review status: criteria provided, single submitter. Criteria: GeneDx Variant Classification Process June 2021. Collection method: clinical testing. Allele origin: germline. Affected: yes.
Comment: Has not been previously published as pathogenic or benign to our knowledge; Not observed at significant frequency in large population cohorts (gnomAD); In silico analysis supports that this missense variant does not alter protein structure/function